The following is an entry in ClinVar:

NM_000377.3(WAS):c.734+3G>A

Gene: WAS (WASP actin nucleation promoting factor; plus strand). Cytogenetic location: Xp11.23.
Variant type: single nucleotide variant.
Coding change: c.734+3G>A on transcript NM_000377.3 (MANE Select); 3 bases into the intron after coding-DNA position 734, G replaced by A.
Molecular consequence: intron variant.
Genome position (GRCh38, 1-based): chrX:48,686,958, G>A. VCF-style: chrX-48686958-G-A. GRCh37 (hg19) VCF-style: chrX-48545347-G-A.
Identifiers: ClinVar variation 2948462 (VCV002948462.3), dbSNP rs782061167, ClinGen allele CA10403970.

ClinVar aggregate classification (germline): Uncertain significance (1 of 4 stars; one submission).

Conditions:
Thrombocytopenia 1. Also called: THROMBOCYTOPENIA, X-LINKED, 1; X-Linked Thrombocytopenia (XLT); X-linked thrombocytopenia with normal platelets. Identifiers: Orphanet 268322, Orphanet 852, MedGen C1839163, MONDO:0010743, OMIM 313900.
Wiskott-Aldrich syndrome (WAS). Also called: ALDRICH SYNDROME; IMMUNODEFICIENCY 2; WISKOTT-ALDRICH SYNDROME 1; Wiskott-aldrich syndrome, somatic. Identifiers: Orphanet 906, MedGen C0043194, MONDO:0010518, OMIM 301000.
X-linked severe congenital neutropenia (SCNX). Identifiers: Orphanet 86788, MedGen C1845987, MONDO:0010294, OMIM 300299.

Allele frequency attached by ClinVar (database versions not stated): gnomAD exomes 0.00001.
gnomAD v4.1: 10 of 1,201,293 alleles (0.00083%); highest among the groups gnomAD compares: Non-Finnish European, 0.001%; no homozygotes.

Submission:

Labcorp Genetics (formerly Invitae), Labcorp
Classification: Uncertain significance for Wiskott-Aldrich syndrome; X-linked severe congenital neutropenia; Thrombocytopenia 1. Last evaluated: 2023-06-20. Review status: criteria provided, single submitter. Criteria: Invitae Variant Classification Sherloc (09022015). Collection method: clinical testing. Allele origin: germline.
Comment: In summary, the available evidence is currently insufficient to determine the role of this variant in disease. Therefore, it has been classified as a Variant of Uncertain Significance. Variants that disrupt the consensus splice site are a relatively common cause of aberrant splicing (PMID: 17576681, 9536098). Algorithms developed to predict the effect of sequence changes on RNA splicing suggest that this variant is not likely to affect RNA splicing. This variant has not been reported in the literature in individuals affected with WAS-related conditions. This variant is not present in population databases (gnomAD no frequency). This sequence change falls in intron 7 of the WAS gene. It does not directly change the encoded amino acid sequence of the WAS protein. It affects a nucleotide within the consensus splice site.

Literature cited by the submitters: PubMed 17576681; PubMed 9536098.